The following is an entry in ClinVar:

NC_000017.10:g.(?_79891090)_(80333370_?)del

Genes: DUS1L (dihydrouridine synthase 1 like; minus strand), FASN (fatty acid synthase; minus strand), GPS1 (G protein pathway suppressor 1; plus strand), LRRC45 (leucine rich repeat containing 45; plus strand), MYADML2 (myeloid associated differentiation marker like 2; minus strand) and 14 more. Cytogenetic location: 17q25.3.
Variant type: Deletion.
Identifiers: ClinVar variation 2425655 (VCV002425655.3).

ClinVar aggregate classification (germline): Pathogenic (1 of 4 stars; one submission).

Submission:

Labcorp Genetics (formerly Invitae), Labcorp
Classification: Pathogenic. Last evaluated: 2022-06-13. Review status: criteria provided, single submitter. Criteria: Invitae Variant Classification Sherloc (09022015). Collection method: clinical testing. Allele origin: germline.
Comment: A gross deletion of the genomic region encompassing the full coding sequence of the PYCR1 gene has been identified. Loss-of-function variants in PYCR1 are known to be pathogenic (PMID: 19648921). The boundaries of this event are unknown as they extend beyond the assayed region for this gene and therefore may encompass additional genes. A similar copy number variant has been observed in individual(s) with clinical features of autosomal recessive cutis laxa (PMID: 21487760). For these reasons, this variant has been classified as Pathogenic.

Literature cited by the submitters: PubMed 19648921; PubMed 21487760.